The following is an entry in ClinVar:

NM_198129.4(LAMA3):c.6975C>T (p.Asn2325=)

Gene: LAMA3 (laminin subunit alpha 3; plus strand). Cytogenetic location: 18q11.2.
Variant type: single nucleotide variant.
Coding change: c.6975C>T on transcript NM_198129.4 (MANE Select); coding-DNA position 6975, C replaced by T.
Protein change: p.Asn2325=; no amino-acid change (asparagine 2325 retained).
Molecular consequence: synonymous variant.
Genome position (GRCh38, 1-based): chr18:23,907,895, C>T. VCF-style: chr18-23907895-C-T. GRCh37 (hg19) VCF-style: chr18-21487859-C-T.
Other names: c.2148C>T, p.Asn716= (NM_000227.6); c.6807C>T, p.Asn2269= (NM_001127717.4); c.1980C>T, p.Asn660= (NM_001127718.4).
Identifiers: ClinVar variation 1155971 (VCV001155971.25), dbSNP rs145864582, ClinGen allele CA8916522.

ClinVar aggregate classification (germline): Likely benign. Review status: criteria provided, multiple submitters, no conflicts (2 of 4 stars). 2 submissions from 2 submitters: Likely benign (2). Last evaluated 2026-01-26.

Allele frequency attached by ClinVar (database versions not stated): gnomAD 0.00002 and 0.00003; gnomAD exomes 0.00003 and 0.00006; ExAC 0.00004; TOPMed 0.00004; ESP Exome Variant Server 0.00015.
gnomAD v4.1: 96 of 1,613,886 alleles (0.0059%); highest among the groups gnomAD compares: Non-Finnish European, 0.007%; no homozygotes.

Submissions (2):

Labcorp Genetics (formerly Invitae), Labcorp
Classification: Likely benign. Last evaluated: 2026-01-26. Review status: criteria provided, single submitter. Criteria: Invitae Variant Classification Sherloc (09022015). Collection method: clinical testing. Allele origin: germline.

CeGaT Center for Human Genetics Tuebingen
Classification: Likely benign. Last evaluated: 2024-08-01. Review status: criteria provided, single submitter. Criteria: CeGaT Center For Human Genetics Tuebingen Variant Classification Criteria Version 2. Collection method: clinical testing. Allele origin: germline. Affected: yes. Observed: 1 variant allele.
Comment: LAMA3: BP4, BP7